The following is an entry in ClinVar:

NM_080473.5(GATA5):c.243C>G (p.His81Gln)

Gene: GATA5 (GATA binding protein 5; minus strand). Cytogenetic location: 20q13.33.
Variant type: single nucleotide variant.
Coding change: c.243C>G on transcript NM_080473.5 (MANE Select); coding-DNA position 243, C replaced by G.
Protein change: p.His81Gln; replaces histidine 81 with glutamine.
Molecular consequence: missense variant.
Genome position (GRCh38, 1-based): chr20:62,475,279, G>C on the plus strand (C>G on the coding strand, the complement: GATA5 is on the minus strand). VCF-style: chr20-62475279-G-C. GRCh37 (hg19) VCF-style: chr20-61050335-G-C.
Other names: short protein forms H81Q.
Identifiers: ClinVar variation 1952606 (VCV001952606.5), dbSNP rs1034727380, ClinGen allele CA409557228.

ClinVar aggregate classification (germline): Uncertain significance (1 of 4 stars; one submission).

Submission:

Labcorp Genetics (formerly Invitae), Labcorp
Classification: Uncertain significance. Last evaluated: 2022-04-11. Review status: criteria provided, single submitter. Criteria: Invitae Variant Classification Sherloc (09022015). Collection method: clinical testing. Allele origin: germline.
Comment: This sequence change replaces histidine, which is basic and polar, with glutamine, which is neutral and polar, at codon 81 of the GATA5 protein (p.His81Gln). This variant is not present in population databases (gnomAD no frequency). This variant has not been reported in the literature in individuals affected with GATA5-related conditions. Algorithms developed to predict the effect of missense changes on protein structure and function output the following: SIFT: "Tolerated"; PolyPhen-2: "Benign"; Align-GVGD: "Class C0". The glutamine amino acid residue is found in multiple mammalian species, which suggests that this missense change does not adversely affect protein function. In summary, the available evidence is currently insufficient to determine the role of this variant in disease. Therefore, it has been classified as a Variant of Uncertain Significance.